The following is an entry in ClinVar:

ClinVar aggregate classification (germline): Likely pathogenic (1 of 4 stars; one submission).

Conditions:
Developmental delay, impaired speech, and behavioral abnormalities, with or without seizures (DEDISB). Identifiers: MedGen C5575272, MONDO:0859263, OMIM 619964.

Submission:

Variantyx, Inc.
Classification: Likely pathogenic for Developmental delay, impaired speech, and behavioral abnormalities, with or without seizures. Last evaluated: 2025-12-16. Review status: criteria provided, single submitter. Criteria: Variantyx Assertion Criteria 2022. Collection method: clinical testing. Allele origin: germline. Inheritance: Autosomal recessive inheritance. Affected: yes.
Comment: This is a nonsense variant in the ARFGEF1 gene (OMIM: 604141). Pathogenic variants in this gene have been associated with autosomal dominant developmental delay, impaired speech, and behavioral abnormalities, with or without seizures. This variant introduces a premature termination codon in exon 21 out of 39 and is expected to result in loss of function, which is a known disease mechanism for ARFGEF1 in this disorder (PMID: 34113008) (PVS1). This variant is absent from control populations (PM2) and has not been reported in individuals with ARFGEF1-related disorders in the databases available for review. Based on the current evidence, this variant is classified as likely pathogenic for autosomal dominant developmental delay, impaired speech, and behavioral abnormalities, with or without seizures.

Literature cited by the submitters: PubMed 34113008.

NM_006421.5(ARFGEF1):c.3058C>T (p.Gln1020Ter)

Gene: ARFGEF1 (ARF guanine nucleotide exchange factor 1; minus strand). Cytogenetic location: 8q13.2.
Variant type: single nucleotide variant.
Coding change: c.3058C>T on transcript NM_006421.5 (MANE Select); coding-DNA position 3058, C replaced by T.
Protein change: p.Gln1020Ter; replaces glutamine 1020 with a stop codon.
Molecular consequence: nonsense. On other transcripts: non-coding transcript variant (1).
Genome position (GRCh38, 1-based): chr8:67,238,815, G>A on the plus strand (C>T on the coding strand, the complement: ARFGEF1 is on the minus strand). VCF-style: chr8-67238815-G-A. GRCh37 (hg19) VCF-style: chr8-68151050-G-A.
Other names: c.3058C>T, p.Gln1020Ter (NM_001413184.1, NM_001413185.1, NM_001413186.1 and 6 more transcripts); c.2458C>T, p.Gln820Ter (NM_001413188.1, NM_001413193.1, NM_001413197.1); c.3052C>T, p.Gln1018Ter (NM_001413190.1); c.1633C>T, p.Gln545Ter (NM_001413196.1); short protein forms Q1018*, Q1020*, Q545*, Q820*.
Identifiers: ClinVar variation 4813837 (VCV004813837.1).
Genomic context (GRCh38, chr8:67,238,815, plus strand): 5'-AATAATTTCCATCTGTATGAGCCACTGTGATAAGTGTTTTTATTGTGTCAATGTTCTTCT[G>A]TTTCATTTCAGTAATACCGGAACTCACTGTGAGTAAGGTAAATCTTGCTAGTGCCTGGAC-3'